The following is an entry in ClinVar:

NM_005159.5(ACTC1):c.554G>A (p.Arg185Gln)

Genes: ACTC1 (actin alpha cardiac muscle 1; minus strand), GJD2-DT (GJD2 divergent transcript; plus strand). Cytogenetic location: 15q14.
Variant type: single nucleotide variant.
Coding change: c.554G>A on transcript NM_005159.5 (MANE Select); coding-DNA position 554, G replaced by A.
Protein change: p.Arg185Gln; replaces arginine 185 with glutamine.
Molecular consequence: missense variant.
Genome position (GRCh38, 1-based): chr15:34,792,470, C>T on the plus strand (G>A on the coding strand, the complement: ACTC1 is on the minus strand). VCF-style: chr15-34792470-C-T. GRCh37 (hg19) VCF-style: chr15-35084671-C-T.
Other names: c.554G>A, p.Arg185Gln (NM_001406482.1, NM_001406483.1); c.419G>A, p.Arg140Gln (NM_001406484.1); c.113G>A, p.Arg38Gln (NM_001406485.1); short protein forms R140Q, R185Q, R38Q.
Identifiers: ClinVar variation 1748233 (VCV001748233.14), dbSNP rs866147243, ClinGen allele CA268662382.

ClinVar aggregate classification (germline): Uncertain significance. Review status: criteria provided, multiple submitters, no conflicts (2 of 4 stars). 4 submissions from 4 submitters: Uncertain significance (3). 1 of the submissions does not count toward it. Last evaluated 2025-03-21.

Conditions:
Atrial septal defect 5 (ASD5). Identifiers: Orphanet 1478, MedGen C2748552, MONDO:0013011, OMIM 612794.
Dilated cardiomyopathy 1R (CMD1R). Identifiers: Orphanet 154, Orphanet 54260, MedGen C3150681, MONDO:0013261, OMIM 613424.
Hypertrophic cardiomyopathy 11. Also called: ACTC1-Related Familial Hypertrophic Cardiomyopathy. Identifiers: MedGen C2677506, MONDO:0012799, OMIM 612098.
ACTC1-related disorder. Also called: ACTC1-related condition.
Cardiovascular phenotype. Identifiers: MedGen CN230736.

Submissions (4):

Ambry Genetics
Classification: Uncertain significance for Cardiovascular phenotype. Last evaluated: 2025-03-21. Review status: criteria provided, single submitter. Criteria: Ambry Variant Classification Scheme 2023. Collection method: clinical testing. Allele origin: germline.
Comment: The p.R185Q variant (also known as c.554G>A), located in coding exon 3 of the ACTC1 gene, results from a G to A substitution at nucleotide position 554. The arginine at codon 185 is replaced by glutamine, an amino acid with highly similar properties. This amino acid position is highly conserved in available vertebrate species. In addition, this alteration is predicted to be deleterious by in silico analysis. Since supporting evidence is limited at this time, the clinical significance of this alteration remains unclear.

Labcorp Genetics (formerly Invitae), Labcorp
Classification: Uncertain significance for Dilated cardiomyopathy 1R; Hypertrophic cardiomyopathy 11; Atrial septal defect 5. Last evaluated: 2024-01-21. Review status: criteria provided, single submitter. Criteria: Invitae Variant Classification Sherloc (09022015). Collection method: clinical testing. Allele origin: germline.
Comment: This sequence change replaces arginine, which is basic and polar, with glutamine, which is neutral and polar, at codon 185 of the ACTC1 protein (p.Arg185Gln). This variant is not present in population databases (gnomAD no frequency). This variant has not been reported in the literature in individuals affected with ACTC1-related conditions. ClinVar contains an entry for this variant (Variation ID: 1748233). Advanced modeling of protein sequence and biophysical properties (such as structural, functional, and spatial information, amino acid conservation, physicochemical variation, residue mobility, and thermodynamic stability) performed at Invitae indicates that this missense variant is not expected to disrupt ACTC1 protein function with a negative predictive value of 80%. In summary, the available evidence is currently insufficient to determine the role of this variant in disease. Therefore, it has been classified as a Variant of Uncertain Significance.

GeneDx
Classification: Uncertain significance. Last evaluated: 2023-09-10. Review status: criteria provided, single submitter. Criteria: GeneDx Variant Classification Process June 2021. Collection method: clinical testing. Allele origin: germline. Affected: yes.
Comment: Not observed at significant frequency in large population cohorts (gnomAD); In silico analysis supports that this missense variant has a deleterious effect on protein structure/function; Has not been previously published as pathogenic or benign to our knowledge

PreventionGenetics, part of Exact Sciences
Classification: Likely pathogenic for ACTC1-related condition. Last evaluated: 2024-02-09. Review status: no assertion criteria provided. Collection method: clinical testing. Allele origin: germline. Not counted in ClinVar's aggregate classification.
Comment: The ACTC1 c.554G>A variant is predicted to result in the amino acid substitution p.Arg185Gln. To our knowledge, this variant has not been reported in the literature or in a large population database, indicating this variant is rare. Different nucleotide substitutions affecting the same amino acid (p.Arg185Gly and p.Arg185Trp) have been reported to have occurred de novo in individuals with dilated cardiomyopathy (Table S2, Hu et al. 2018. PubMed ID: 29095814; Table S1, Lesurf et al. 2022. PubMed ID: 35288587). This variant is classified as likely pathogenic.